The following is an entry in ClinVar:

NM_000327.4(ROM1):c.742C>A (p.Leu248Ile)

Gene: ROM1 (retinal outer segment membrane protein 1; plus strand). Cytogenetic location: 11q12.3.
Variant type: single nucleotide variant.
Coding change: c.742C>A on transcript NM_000327.4 (MANE Select); coding-DNA position 742, C replaced by A.
Protein change: p.Leu248Ile; replaces leucine 248 with isoleucine.
Molecular consequence: missense variant.
Genome position (GRCh38, 1-based): chr11:62,614,409, C>A. VCF-style: chr11-62614409-C-A. GRCh37 (hg19) VCF-style: chr11-62381881-C-A.
Other names: c.742C>A (NM_000327.3); short protein forms L248I.
Identifiers: ClinVar variation 1445628 (VCV001445628.9), dbSNP rs1007181315, ClinGen allele CA223036268.

ClinVar aggregate classification (germline): Uncertain significance. Review status: criteria provided, multiple submitters, no conflicts (2 of 4 stars). 3 submissions from 3 submitters: Uncertain significance (3). Last evaluated 2024-02-28.

Allele frequency attached by ClinVar (database versions not stated): gnomAD 0.00001; gnomAD exomes 0.00001; TOPMed 0.00003.

Submissions (3):

Ambry Genetics
Classification: Uncertain significance. Last evaluated: 2024-02-28. Review status: criteria provided, single submitter. Criteria: Ambry Variant Classification Scheme 2023. Collection method: clinical testing. Allele origin: germline.

Blueprint Genetics
Classification: Uncertain significance. Last evaluated: 2022-09-06. Review status: criteria provided, single submitter. Criteria: ACMG Guidelines, 2015. Collection method: clinical testing. Allele origin: germline.

Labcorp Genetics (formerly Invitae), Labcorp
Classification: Uncertain significance. Last evaluated: 2022-07-05. Review status: criteria provided, single submitter. Criteria: Invitae Variant Classification Sherloc (09022015). Collection method: clinical testing. Allele origin: germline.
Comment: This sequence change replaces leucine, which is neutral and non-polar, with isoleucine, which is neutral and non-polar, at codon 248 of the ROM1 protein (p.Leu248Ile). This variant is present in population databases (no rsID available, gnomAD 0.01%). In summary, the available evidence is currently insufficient to determine the role of this variant in disease. Therefore, it has been classified as a Variant of Uncertain Significance. Algorithms developed to predict the effect of missense changes on protein structure and function are either unavailable or do not agree on the potential impact of this missense change (SIFT: "Tolerated"; PolyPhen-2: "Probably Damaging"; Align-GVGD: "Class C0"). ClinVar contains an entry for this variant (Variation ID: 1445628). This variant has not been reported in the literature in individuals affected with ROM1-related conditions.